The following is an entry in ClinVar:

ClinVar aggregate classification (germline): Conflicting classifications of pathogenicity. Review status: criteria provided, conflicting classifications (1 of 4 stars). 3 submissions from 3 submitters: Uncertain significance (2); Likely benign (1). Last evaluated 2026-09-01.

Conditions:
Distal myopathy with posterior leg and anterior hand involvement. Also called: WILLIAMS DISTAL MYOPATHY. Identifiers: Orphanet 63273, MedGen C3279722, MONDO:0013550, OMIM 614065.
Myofibrillar myopathy 5. Also called: Filaminopathy (type); FILAMINOPATHY, AUTOSOMAL DOMINANT. Identifiers: Orphanet 171445, MedGen C1836050, MONDO:0012289, OMIM 609524.
Hypertrophic cardiomyopathy 26. Also called: Cardiomyopathy, familial hypertrophic, 26. Identifiers: Orphanet 75249, MedGen C4310749, MONDO:0014883, OMIM 617047.
Cardiovascular phenotype. Identifiers: MedGen CN230736.

Allele frequency attached by ClinVar (database versions not stated): gnomAD 0.00001; ExAC 0.00002; gnomAD exomes 0.00002; TOPMed 0.00002.
gnomAD v4.1: 35 of 1,614,028 alleles (0.0022%); highest among the groups gnomAD compares: South Asian, 0.0066%; 1 homozygote.

Submissions (3):

CeGaT Center for Human Genetics Tuebingen
Classification: Uncertain significance. Last evaluated: 2026-09-01. Review status: criteria provided, single submitter. Criteria: CeGaT Center For Human Genetics Tuebingen Variant Classification Criteria Version 2. Collection method: clinical testing. Allele origin: germline. Affected: yes. Observed: 1 variant allele.

Labcorp Genetics (formerly Invitae), Labcorp
Classification: Likely benign for Distal myopathy with posterior leg and anterior hand involvement; Myofibrillar myopathy 5; Hypertrophic cardiomyopathy 26. Last evaluated: 2025-05-13. Review status: criteria provided, single submitter. Criteria: Invitae Variant Classification Sherloc (09022015). Collection method: clinical testing. Allele origin: germline.

Ambry Genetics
Classification: Uncertain significance for Cardiovascular phenotype. Last evaluated: 2024-09-09. Review status: criteria provided, single submitter. Criteria: Ambry Variant Classification Scheme 2023. Collection method: clinical testing. Allele origin: germline.
Comment: The p.I2487V variant (also known as c.7459A>G), located in coding exon 45 of the FLNC gene, results from an A to G substitution at nucleotide position 7459. The isoleucine at codon 2487 is replaced by valine, an amino acid with highly similar properties. This amino acid position is well conserved in available vertebrate species; however, valine is the reference amino acid in a few of the vertebrate species. In addition, this alteration is predicted to be tolerated by in silico analysis. Since supporting evidence is limited at this time, the clinical significance of this alteration remains unclear.

NM_001458.5(FLNC):c.7459A>G (p.Ile2487Val)

Genes: FLNC (filamin C; plus strand), FLNC-AS1 (FLNC antisense RNA 1; minus strand). Cytogenetic location: 7q32.1.
Variant type: single nucleotide variant.
Coding change: c.7459A>G on transcript NM_001458.5 (MANE Select); coding-DNA position 7459, A replaced by G.
Protein change: p.Ile2487Val; replaces isoleucine 2487 with valine.
Molecular consequence: missense variant.
Genome position (GRCh38, 1-based): chr7:128,856,819, A>G. VCF-style: chr7-128856819-A-G. GRCh37 (hg19) VCF-style: chr7-128496873-A-G.
Other names: c.7360A>G, p.Ile2454Val (NM_001127487.2); short protein forms I2454V, I2487V.
Identifiers: ClinVar variation 1758998 (VCV001758998.9), dbSNP rs758002964, ClinGen allele CA4476277.
Genomic context (GRCh38, chr7:128,856,819, plus strand): 5'-CGCTTCATCCCCCACGAGAATGGCGTCCACTCCATCGATGTCAAGTTCAACGGTGCCCAC[A>G]TCCCTGGAAGTCCCTTCAAGATCCGCGTTGGGGAGCAGAGCCAGGCTGGGGACCCAGGCT-3'
Protein context (NP_001449.3, residues 2477-2497): SIDVKFNGAH[Ile2487Val]PGSPFKIRVG